The following is an entry in ClinVar:

NM_015192.4(PLCB1):c.3411T>C (p.Asp1137=)

Gene: PLCB1 (phospholipase C beta 1; plus strand). Cytogenetic location: 20p12.3.
Variant type: single nucleotide variant.
Coding change: c.3411T>C on transcript NM_015192.4 (MANE Select); coding-DNA position 3411, T replaced by C.
Protein change: p.Asp1137=; no amino-acid change (aspartic acid 1137 retained).
Molecular consequence: synonymous variant.
Genome position (GRCh38, 1-based): chr20:8,790,249, T>C. VCF-style: chr20-8790249-T-C. GRCh37 (hg19) VCF-style: chr20-8770896-T-C.
Other names: c.3411T>C, p.Asp1137= (NM_182734.3); c.3411T>C (NM_015192.3).
Identifiers: ClinVar variation 2903708 (VCV002903708.4), dbSNP rs752339765, ClinGen allele CA9760551.

ClinVar aggregate classification (germline): Likely benign. Review status: criteria provided, single submitter (1 of 4 stars). 2 submissions from 2 submitters: Likely benign (1). 1 of the submissions does not count toward it. Last evaluated 2023-05-20.

Conditions:
PLCB1-related disorder. Also called: PLCB1-related condition.
Developmental and epileptic encephalopathy, 12 (DEE12). Identifiers: MedGen C3150988, MONDO:0013389, OMIM 613722.

Allele frequency attached by ClinVar (database versions not stated): ExAC 0.00001; gnomAD exomes 0.00001.

Submissions (2):

Labcorp Genetics (formerly Invitae), Labcorp
Classification: Likely benign for Developmental and epileptic encephalopathy, 12. Last evaluated: 2023-05-20. Review status: criteria provided, single submitter. Criteria: Invitae Variant Classification Sherloc (09022015). Collection method: clinical testing. Allele origin: germline.

PreventionGenetics, part of Exact Sciences
Classification: Likely benign for PLCB1-related condition. Last evaluated: 2024-08-09. Review status: no assertion criteria provided. Collection method: clinical testing. Allele origin: germline. Not counted in ClinVar's aggregate classification.
Comment: This variant is classified as likely benign based on ACMG/AMP sequence variant interpretation guidelines (Richards et al. 2015 PMID: 25741868, with internal and published modifications).